The following is an entry in ClinVar:

ClinVar aggregate classification (germline): Uncertain significance. Review status: criteria provided, multiple submitters, no conflicts (2 of 4 stars). 2 submissions from 2 submitters: Uncertain significance (2). Last evaluated 2022-12-19.

Conditions:
Long QT syndrome (LQTS). Identifiers: MedGen C0023976, MeSH D008133, MONDO:0002442. Disease mechanism: loss of function. Inheritance: Various modes of inheritance.

Allele frequency attached by ClinVar (database versions not stated): gnomAD exomes below 0.00001.
gnomAD v4.1: 1 of 1,606,086 alleles (0.000062%); highest among the groups gnomAD compares: Non-Finnish European, 0.000085%; no homozygotes.

Submissions (2):

Blueprint Genetics
Classification: Uncertain significance. Last evaluated: 2022-12-19. Review status: criteria provided, single submitter. Criteria: ACMG Guidelines, 2015. Collection method: clinical testing. Allele origin: germline.

Labcorp Genetics (formerly Invitae), Labcorp
Classification: Uncertain significance for Long QT syndrome. Last evaluated: 2022-08-12. Review status: criteria provided, single submitter. Criteria: Invitae Variant Classification Sherloc (09022015). Collection method: clinical testing. Allele origin: germline.
Comment: This variant has not been reported in the literature in individuals affected with KCNJ5-related conditions. This variant is not present in population databases (gnomAD no frequency). This sequence change replaces aspartic acid, which is acidic and polar, with asparagine, which is neutral and polar, at codon 212 of the KCNJ5 protein (p.Asp212Asn). Advanced modeling of protein sequence and biophysical properties (such as structural, functional, and spatial information, amino acid conservation, physicochemical variation, residue mobility, and thermodynamic stability) performed at Invitae indicates that this missense variant is expected to disrupt KCNJ5 protein function. In summary, the available evidence is currently insufficient to determine the role of this variant in disease. Therefore, it has been classified as a Variant of Uncertain Significance.

NM_000890.5(KCNJ5):c.634G>A (p.Asp212Asn)

Gene: KCNJ5 (potassium inwardly rectifying channel subfamily J member 5; plus strand). Cytogenetic location: 11q24.3.
Variant type: single nucleotide variant.
Coding change: c.634G>A on transcript NM_000890.5 (MANE Select); coding-DNA position 634, G replaced by A.
Protein change: p.Asp212Asn; replaces aspartic acid 212 with asparagine.
Molecular consequence: missense variant.
Genome position (GRCh38, 1-based): chr11:128,911,907, G>A. VCF-style: chr11-128911907-G-A. GRCh37 (hg19) VCF-style: chr11-128781802-G-A.
Other names: c.634G>A, p.Asp212Asn (NM_001354169.2); short protein forms D212N.
Identifiers: ClinVar variation 1992566 (VCV001992566.5), dbSNP rs1555145048, ClinGen allele CA302094.